The following is an entry in ClinVar:

ClinVar aggregate classification (germline): Likely pathogenic. Review status: criteria provided, multiple submitters, no conflicts (2 of 4 stars). 3 submissions from 3 submitters: Likely pathogenic (3). Last evaluated 2025-09-25.

Conditions:
Neurofibromatosis, type 1 (NF1). Also called: Peripheral type neurofibromatosis; VON RECKLINGHAUSEN DISEASE; NEUROFIBROMATOSIS, TYPE I, SOMATIC; Neurofibromatosis, type I. Identifiers: Orphanet 636, MedGen C0027831, MONDO:0018975, OMIM 162200. Disease mechanism: loss of function.

Submissions (3):

NHS Central & South Genomic Laboratory Hub
Classification: Likely pathogenic for Neurofibromatosis type 1. Last evaluated: 2025-09-25. Review status: criteria provided, single submitter. Criteria: ACMG Guidelines, 2015. Collection method: clinical testing. Allele origin: germline. Affected: yes.

Labcorp Genetics (formerly Invitae), Labcorp
Classification: Likely pathogenic for Neurofibromatosis, type 1. Last evaluated: 2024-08-27. Review status: criteria provided, single submitter. Criteria: Invitae Variant Classification Sherloc (09022015). Collection method: clinical testing. Allele origin: germline.
Comment: This sequence change falls in intron 36 of the NF1 gene. It does not directly change the encoded amino acid sequence of the NF1 protein. It affects a nucleotide within the consensus splice site. This variant is not present in population databases (gnomAD no frequency). This variant has been observed in individual(s) with neurofibromatosis type 1 (PMID: 23913538; internal data). ClinVar contains an entry for this variant (Variation ID: 2137990). Variants that disrupt the consensus splice site are a relatively common cause of aberrant splicing (PMID: 17576681, 9536098). Algorithms developed to predict the effect of sequence changes on RNA splicing suggest that this variant may disrupt the consensus splice site. This variant disrupts the c.5205+5G nucleotide in the NF1 gene. Other variant(s) that disrupt this nucleotide have been determined to be pathogenic (PMID: 12807981, 16835897, 21354044, 23913538). This suggests that this nucleotide is clinically significant, and that variants that disrupt this position are likely to be disease-causing. In summary, the currently available evidence indicates that the variant is pathogenic, but additional data are needed to prove that conclusively. Therefore, this variant has been classified as Likely Pathogenic.

Institute of Medical Genetics and Applied Genomics, University Hospital Tübingen
Classification: Likely pathogenic for Neurofibromatosis, type 1. Last evaluated: 2024-05-28. Review status: criteria provided, single submitter. Criteria: ACMG Guidelines, 2015. Collection method: clinical testing. Allele origin: germline. Inheritance: Autosomal dominant inheritance. Affected: yes.

Literature cited by the submitters: PubMed 23913538 (cited by Labcorp Genetics (formerly Invitae), Labcorp); PubMed 17576681 (cited by Labcorp Genetics (formerly Invitae), Labcorp); PubMed 9536098 (cited by Labcorp Genetics (formerly Invitae), Labcorp); PubMed 12807981 (cited by Labcorp Genetics (formerly Invitae), Labcorp); PubMed 16835897 (cited by Labcorp Genetics (formerly Invitae), Labcorp); PubMed 21354044 (cited by Labcorp Genetics (formerly Invitae), Labcorp).

NM_001042492.3(NF1):c.5268+5G>T

Genes: EVI2A (ecotropic viral integration site 2A; minus strand), NF1 (neurofibromin 1; plus strand). Cytogenetic location: 17q11.2.
Variant type: single nucleotide variant.
Coding change: c.5268+5G>T on transcript NM_001042492.3 (MANE Select); 5 bases into the intron after coding-DNA position 5268, G replaced by T.
Molecular consequence: intron variant.
Genome position (GRCh38, 1-based): chr17:31,326,257, G>T. VCF-style: chr17-31326257-G-T. GRCh37 (hg19) VCF-style: chr17-29653275-G-T.
Other names: c.5205+5G>T (NM_000267.4).
Identifiers: ClinVar variation 2137990 (VCV002137990.6), dbSNP rs864622551, ClinGen allele CA658760986.